The following is an entry in ClinVar:

ClinVar aggregate classification (germline): Uncertain significance (1 of 4 stars; one submission).

Allele frequency attached by ClinVar (database versions not stated): TOPMed below 0.00001; gnomAD 0.00001; gnomAD exomes 0.00001; ExAC 0.00002.
gnomAD v4.1: 9 of 1,614,052 alleles (0.00056%); highest among the groups gnomAD compares: Admixed American, 0.015%; no homozygotes.

Submission:

Labcorp Genetics (formerly Invitae), Labcorp
Classification: Uncertain significance. Last evaluated: 2022-02-22. Review status: criteria provided, single submitter. Criteria: Invitae Variant Classification Sherloc (09022015). Collection method: clinical testing. Allele origin: germline.
Comment: This sequence change replaces threonine, which is neutral and polar, with proline, which is neutral and non-polar, at codon 549 of the ITGA6 protein (p.Thr549Pro). This variant is present in population databases (rs753175102, gnomAD 0.02%). This variant has not been reported in the literature in individuals affected with ITGA6-related conditions. Algorithms developed to predict the effect of missense changes on protein structure and function (SIFT, PolyPhen-2, Align-GVGD) all suggest that this variant is likely to be tolerated. In summary, the available evidence is currently insufficient to determine the role of this variant in disease. Therefore, it has been classified as a Variant of Uncertain Significance.

NM_000210.4(ITGA6):c.1645A>C (p.Thr549Pro)

Genes: ITGA6 (integrin subunit alpha 6; plus strand), PDK1-AS1 (PDK1 and ITGA6 antisense RNA 1; minus strand). Cytogenetic location: 2q31.1.
Variant type: single nucleotide variant.
Coding change: c.1645A>C on transcript NM_000210.4 (MANE Select); coding-DNA position 1645, A replaced by C.
Protein change: p.Thr549Pro; replaces threonine 549 with proline.
Molecular consequence: missense variant.
Genome position (GRCh38, 1-based): chr2:172,484,877, A>C. VCF-style: chr2-172484877-A-C. GRCh37 (hg19) VCF-style: chr2-173349605-A-C.
Other names: c.1645A>C, p.Thr549Pro (NM_001079818.3, NM_001365529.2, NM_001365530.2); c.1288A>C, p.Thr430Pro (NM_001316306.2); c.1762A>C, p.Thr588Pro (NM_001394928.1); short protein forms T430P, T549P, T588P.
Identifiers: ClinVar variation 2068516 (VCV002068516.1), dbSNP rs753175102, ClinGen allele CA1968193.